The following is an entry in ClinVar:

ClinVar aggregate classification (germline): Pathogenic (1 of 4 stars; one submission).

Submission:

Labcorp Genetics (formerly Invitae), Labcorp
Classification: Pathogenic. Last evaluated: 2022-11-01. Review status: criteria provided, single submitter. Criteria: Invitae Variant Classification Sherloc (09022015). Collection method: clinical testing. Allele origin: germline.
Comment: For these reasons, this variant has been classified as Pathogenic. This variant disrupts a region of the CNGA1 protein in which other variant(s) (p.Arg658Aspfs*2) have been determined to be pathogenic (PMID: 7479749; Invitae). This suggests that this is a clinically significant region of the protein, and that variants that disrupt it are likely to be disease-causing. This variant has not been reported in the literature in individuals affected with CNGA1-related conditions. This variant is not present in population databases (gnomAD no frequency). This sequence change creates a premature translational stop signal (p.Arg280Serfs*4) in the CNGA1 gene. While this is not anticipated to result in nonsense mediated decay, it is expected to disrupt the last 411 amino acid(s) of the CNGA1 protein.

Literature cited by the submitters: PubMed 7479749.

NM_001379270.1(CNGA1):c.825dup (p.Arg276fs)

Genes: CNGA1 (cyclic nucleotide gated channel subunit alpha 1; minus strand), LOC101927157 (uncharacterized LOC101927157; plus strand). Cytogenetic location: 4p12.
Variant type: Duplication.
Coding change: c.825dup on transcript NM_001379270.1 (MANE Select); coding-DNA position 825, one base duplicated (T; older notation c.825dupT).
Protein change: p.Arg276fs; shifts the reading frame from arginine 276.
Molecular consequence: frameshift variant.
Genome position (GRCh38, 1-based): chr4:47,937,657, A duplicated on the plus strand (T on the coding strand, the reverse complement: CNGA1 is on the minus strand). VCF-style (leftmost placement, unchanged base first): chr4-47937656-G-GA. GRCh37 (hg19) VCF-style: chr4-47939673-G-GA.
Other names: c.825dup, p.Arg276fs (NM_000087.5, NM_001142564.2); short protein forms R276fs.
Identifiers: ClinVar variation 2811442 (VCV002811442.3), dbSNP rs2475752862, ClinGen allele CA2739265884.
Genomic context (GRCh38, chr4:47,937,656, plus strand): 5'-TCCTGAAGATGTTTGGATAGTTTGTCCTTGTTTCTGTTCTCTGGAAGAACTCAAACATAC[G>GA]AGAGAACCGTAACAACCTGTTTAATCTAATTTCTGGATAGTTCCACCCTAACTTAAAATA-3'